The following is an entry in ClinVar:

NM_000059.4(BRCA2):c.4601T>C (p.Ile1534Thr)

Gene: BRCA2 (BRCA2 DNA repair associated; plus strand). Cytogenetic location: 13q13.1.
Variant type: single nucleotide variant.
Coding change: c.4601T>C on transcript NM_000059.4 (MANE Select); coding-DNA position 4601, T replaced by C.
Protein change: p.Ile1534Thr; replaces isoleucine 1534 with threonine.
Molecular consequence: missense variant.
Genome position (GRCh38, 1-based): chr13:32,338,956, T>C. VCF-style: chr13-32338956-T-C. GRCh37 (hg19) VCF-style: chr13-32913093-T-C.
Other names: short protein forms I1534T.
Identifiers: ClinVar variation 462350 (VCV000462350.22), dbSNP rs1555283869, ClinGen allele CA387781976.

ClinVar aggregate classification (germline): Conflicting classifications of pathogenicity. Review status: criteria provided, conflicting classifications (1 of 4 stars). 5 submissions from 5 submitters: Uncertain significance (4); Likely benign (1). Last evaluated 2024-08-12.

Conditions:
Hereditary cancer-predisposing syndrome. Also called: Neoplastic Syndromes, Hereditary; Hereditary Cancer Syndrome; Hereditary neoplastic syndrome; Tumor predisposition. Identifiers: Orphanet 140162, MedGen C0027672, MeSH D009386, MONDO:0015356.
Hereditary breast ovarian cancer syndrome. Also called: Hereditary breast and ovarian cancer syndrome (HBOC); Hereditary breast and ovarian cancer syndrome; Breast and ovarian cancer; Hereditary breast and/or ovarian cancer syndrome; Hereditary breast and ovarian cancer; BRCA1- and BRCA2-Associated Hereditary Breast and Ovarian Cancer. Identifiers: Orphanet 145, MedGen C0677776, MeSH D061325, MONDO:0003582. Disease mechanism: loss of function.

Allele frequency attached by ClinVar (database versions not stated): TOPMed below 0.00001.

Submissions (5):

Ambry Genetics
Classification: Uncertain significance for Hereditary cancer-predisposing syndrome. Last evaluated: 2024-08-12. Review status: criteria provided, single submitter. Criteria: Ambry Variant Classification Scheme 2023. Collection method: clinical testing. Allele origin: germline.
Comment: The p.I1534T variant (also known as c.4601T>C), located in coding exon 10 of the BRCA2 gene, results from a T to C substitution at nucleotide position 4601. The isoleucine at codon 1534 is replaced by threonine, an amino acid with similar properties. This amino acid position is well conserved in available vertebrate species. In addition, the in silico prediction for this alteration is inconclusive. Since supporting evidence is limited at this time, the clinical significance of this alteration remains unclear.

Color Diagnostics, LLC DBA Color Health
Classification: Uncertain significance for Hereditary cancer-predisposing syndrome. Last evaluated: 2023-12-05. Review status: criteria provided, single submitter. Criteria: ACMG Guidelines, 2015. Collection method: clinical testing. Allele origin: germline.
Comment: This missense variant replaces isoleucine with threonine at codon 1534 of the BRCA2 protein. Computational prediction is inconclusive regarding the impact of this variant on protein structure and function (internally defined REVEL score threshold 0.5 < inconclusive < 0.7, PMID: 27666373). To our knowledge, functional studies have not been reported for this variant. This variant has not been reported in individuals affected with BRCA2-related disorders in the literature. This variant has not been identified in the general population by the Genome Aggregation Database (gnomAD). The available evidence is insufficient to determine the role of this variant in disease conclusively. Therefore, this variant is classified as a Variant of Uncertain Significance.

Labcorp Genetics (formerly Invitae), Labcorp
Classification: Uncertain significance for Hereditary breast ovarian cancer syndrome. Last evaluated: 2023-07-10. Review status: criteria provided, single submitter. Criteria: Invitae Variant Classification Sherloc (09022015). Collection method: clinical testing. Allele origin: germline.
Comment: This sequence change replaces isoleucine, which is neutral and non-polar, with threonine, which is neutral and polar, at codon 1534 of the BRCA2 protein (p.Ile1534Thr). This variant is not present in population databases (gnomAD no frequency). This variant has not been reported in the literature in individuals affected with BRCA2-related conditions. ClinVar contains an entry for this variant (Variation ID: 462350). Advanced modeling of protein sequence and biophysical properties (such as structural, functional, and spatial information, amino acid conservation, physicochemical variation, residue mobility, and thermodynamic stability) performed at Invitae indicates that this missense variant is not expected to disrupt BRCA2 protein function. In summary, the available evidence is currently insufficient to determine the role of this variant in disease. Therefore, it has been classified as a Variant of Uncertain Significance.

University of Washington Department of Laboratory Medicine, University of Washington
Classification: Likely benign for Hereditary cancer-predisposing syndrome. Last evaluated: 2023-03-23. Review status: criteria provided, single submitter. Criteria: Dines et al. (Genet Med. 2020). Collection method: curation. Allele origin: germline.
Comment: Missense variant in a coldspot region where missense variants are very unlikely to be pathogenic (PMID:31911673).

BRCA2 exon 11 coldspot. Reclassification based on statistical prior probability.

Quest Diagnostics Nichols Institute San Juan Capistrano
Classification: Uncertain significance. Last evaluated: 2021-06-16. Review status: criteria provided, single submitter. Criteria: Quest Diagnostics criteria. Collection method: clinical testing. Allele origin: unknown.